The following is an entry in ClinVar:

NM_152743.4(BRAT1):c.19C>T (p.Gln7Ter)

Gene: BRAT1 (BRCA1 associated ATM activator 1; minus strand). Cytogenetic location: 7p22.3.
Variant type: single nucleotide variant.
Coding change: c.19C>T on transcript NM_152743.4 (MANE Select); coding-DNA position 19, C replaced by T.
Protein change: p.Gln7Ter; replaces glutamine 7 with a stop codon.
Molecular consequence: nonsense. On other transcripts: 5 prime UTR variant (1), non-coding transcript variant (1).
Genome position (GRCh38, 1-based): chr7:2,554,413, G>A on the plus strand (C>T on the coding strand, the complement: BRAT1 is on the minus strand). VCF-style: chr7-2554413-G-A. GRCh37 (hg19) VCF-style: chr7-2594047-G-A.
Other names: c.19C>T, p.Gln7Ter (NM_001350626.2); c.-359C>T (NM_001350627.2); short protein forms Q7*.
Identifiers: ClinVar variation 2847184 (VCV002847184.3), dbSNP rs1780259380, ClinGen allele CA366633618.

ClinVar aggregate classification (germline): Pathogenic (1 of 4 stars; one submission).

Conditions:
Neonatal-onset encephalopathy with rigidity and seizures. Also called: Lethal neonatal spasticity-epileptic encephalopathy syndrome. Identifiers: Orphanet 435845, MedGen C3281029, MONDO:0013784, OMIM 614498.

Allele frequency attached by ClinVar (database versions not stated): gnomAD exomes below 0.00001; gnomAD 0.00001.

Submission:

Labcorp Genetics (formerly Invitae), Labcorp
Classification: Pathogenic for Neonatal-onset encephalopathy with rigidity and seizures. Last evaluated: 2023-06-16. Review status: criteria provided, single submitter. Criteria: Invitae Variant Classification Sherloc (09022015). Collection method: clinical testing. Allele origin: germline.
Comment: This variant is not present in population databases (gnomAD no frequency). For these reasons, this variant has been classified as Pathogenic. This variant has not been reported in the literature in individuals affected with BRAT1-related conditions. This sequence change creates a premature translational stop signal (p.Gln7*) in the BRAT1 gene. It is expected to result in an absent or disrupted protein product. Loss-of-function variants in BRAT1 are known to be pathogenic (PMID: 22279524, 25500575).

Literature cited by the submitters: PubMed 22279524; PubMed 25500575.